The following is an entry in ClinVar:

ClinVar aggregate classification (germline): Benign/Likely benign. Review status: criteria provided, multiple submitters, no conflicts (2 of 4 stars). 5 submissions from 5 submitters: Benign (4); Likely benign (1). Last evaluated 2022-09-06.

Allele frequency attached by ClinVar (database versions not stated): gnomAD exomes 0.14065 and 0.26771; 1000 Genomes Project 0.23502; 1000 Genomes Project 30x 0.24235; ExAC 0.12500; TOPMed 0.27507; gnomAD 0.27889 and 0.28610.
gnomAD v4.1: 272,777 of 1,015,216 alleles (27%); highest among the groups gnomAD compares: African/African-American, 35%; 37,933 homozygotes.

Submissions (5):

Mayo Clinic Laboratories, Mayo Clinic
Classification: Benign. Last evaluated: 2022-09-06. Review status: criteria provided, single submitter. Criteria: ACMG Guidelines, 2015. Collection method: clinical testing. Allele origin: germline. Observed: 21 variant alleles.

GeneDx
Classification: Benign. Last evaluated: 2021-06-19. Review status: criteria provided, single submitter. Criteria: GeneDx Variant Classification Process June 2021. Collection method: clinical testing. Allele origin: germline. Affected: yes.

Eurofins Ntd Llc (ga)
Classification: Benign. Last evaluated: 2018-08-14. Review status: criteria provided, single submitter. Criteria: EGL ClinVar v180209 classification definitions. Collection method: clinical testing. Allele origin: germline. Observed: 79 variant alleles, 67 heterozygotes, 12 homozygotes.

Laboratory for Molecular Medicine, Mass General Brigham Personalized Medicine
Classification: Benign. Last evaluated: 2016-03-28. Review status: criteria provided, single submitter. Criteria: LMM Criteria. Collection method: clinical testing. Allele origin: germline.
Comment: Variant identified in a genome or exome case(s) and assessed due to predicted null impact of the variant or pathogenic assertions in the literature or databases. Disclaimer: This variant has not undergone full assessment. The following are preliminary notes: Frequency

Breakthrough Genomics
Classification: Likely benign. Review status: criteria provided, single submitter. Criteria: ACMG Guidelines, 2015. Collection method: not provided. Allele origin: germline. Inheritance: Autosomal recessive inheritance. Affected: yes.

NM_003839.4(TNFRSF11A):c.-9T>C

Genes: TNFRSF11A (TNF receptor superfamily member 11a; plus strand), LOC130062628 (ATAC-STARR-seq lymphoblastoid silent region 9505; plus strand). Cytogenetic location: 18q21.33.
Variant type: single nucleotide variant.
Coding change: c.-9T>C on transcript NM_003839.4 (MANE Select); 9 bases upstream of the start codon, T replaced by C.
Molecular consequence: 5 prime UTR variant.
Genome position (GRCh38, 1-based): chr18:62,325,344, T>C. VCF-style: chr18-62325344-T-C. GRCh37 (hg19) VCF-style: chr18-59992577-T-C.
Other names: c.-9T>C (NM_001270949.2, NM_001270950.2, NM_001270951.2 and 1 more transcripts).
Identifiers: ClinVar variation 193259 (VCV000193259.16), dbSNP rs1805033, ClinGen allele CA200449.